The following is an entry in ClinVar:

ClinVar aggregate classification (germline): Uncertain significance (1 of 4 stars; one submission).

Allele frequency attached by ClinVar (database versions not stated): TOPMed below 0.00001; gnomAD 0.00001; ExAC 0.00002.
gnomAD v4.1: 13 of 1,613,560 alleles (0.00081%); highest among the groups gnomAD compares: South Asian, 0.0022%; no homozygotes.

Submission:

Labcorp Genetics (formerly Invitae), Labcorp
Classification: Uncertain significance. Last evaluated: 2022-03-04. Review status: criteria provided, single submitter. Criteria: Invitae Variant Classification Sherloc (09022015). Collection method: clinical testing. Allele origin: germline.
Comment: This sequence change replaces valine, which is neutral and non-polar, with isoleucine, which is neutral and non-polar, at codon 552 of the SLC12A2 protein (p.Val552Ile). This variant is present in population databases (rs770560514, gnomAD 0.003%). This variant has not been reported in the literature in individuals affected with SLC12A2-related conditions. Advanced modeling of protein sequence and biophysical properties (such as structural, functional, and spatial information, amino acid conservation, physicochemical variation, residue mobility, and thermodynamic stability) performed at Invitae indicates that this missense variant is not expected to disrupt SLC12A2 protein function. In summary, the available evidence is currently insufficient to determine the role of this variant in disease. Therefore, it has been classified as a Variant of Uncertain Significance.

NM_001046.3(SLC12A2):c.1654G>A (p.Val552Ile)

Gene: SLC12A2 (solute carrier family 12 member 2; plus strand). Cytogenetic location: 5q23.3.
Variant type: single nucleotide variant.
Coding change: c.1654G>A on transcript NM_001046.3 (MANE Select); coding-DNA position 1654, G replaced by A.
Protein change: p.Val552Ile; replaces valine 552 with isoleucine.
Molecular consequence: missense variant. On other transcripts: non-coding transcript variant (1).
Genome position (GRCh38, 1-based): chr5:128,141,862, G>A. VCF-style: chr5-128141862-G-A. GRCh37 (hg19) VCF-style: chr5-127477554-G-A.
Other names: c.1654G>A, p.Val552Ile (NM_001256461.2); short protein forms V552I.
Identifiers: ClinVar variation 1903417 (VCV001903417.2), dbSNP rs770560514, ClinGen allele CA3393174.
Genomic context (GRCh38, chr5:128,141,862, plus strand): 5'-ATTATTCTTGTTGTCACTTGTGCTTTAGGTTCTTGTGTTGTTCGAGATGCCACTGGAAAC[G>A]TTAATGACACTATCGTAACAGAGCTAACAAACTGTACTTCTGCAGCCTGCAAATTAAACT-3'
Protein context (NP_001037.1, residues 542-562): SCVVRDATGN[Val552Ile]NDTIVTELTN